The following is an entry in ClinVar:

ClinVar aggregate classification (germline): Uncertain significance. Review status: criteria provided, multiple submitters, no conflicts (2 of 4 stars). 2 submissions from 2 submitters: Uncertain significance (2). Last evaluated 2021-04-08.

Allele frequency attached by ClinVar (database versions not stated): TOPMed below 0.00001; gnomAD 0.00001; gnomAD exomes 0.00001 and 0.00004.
gnomAD v4.1: 11 of 1,613,902 alleles (0.00068%); highest among the groups gnomAD compares: Middle Eastern, 0.016%; no homozygotes.

Submissions (2):

Genetic Services Laboratory, University of Chicago
Classification: Uncertain significance. Last evaluated: 2021-04-08. Review status: criteria provided, single submitter. Criteria: ACMG Guidelines, 2015. Collection method: clinical testing. Allele origin: germline. Affected: no.

Labcorp Genetics (formerly Invitae), Labcorp
Classification: Uncertain significance. Last evaluated: 2021-04-03. Review status: criteria provided, single submitter. Criteria: Invitae Variant Classification Sherloc (09022015). Collection method: clinical testing. Allele origin: germline.
Comment: In summary, the available evidence is currently insufficient to determine the role of this variant in disease. Therefore, it has been classified as a Variant of Uncertain Significance. Algorithms developed to predict the effect of missense changes on protein structure and function are either unavailable or do not agree on the potential impact of this missense change (SIFT: "Deleterious"; PolyPhen-2: "Possibly Damaging"; Align-GVGD: "Class C0"). This variant has not been reported in the literature in individuals with PAX4-related conditions. This variant is not present in population databases (ExAC no frequency). This sequence change replaces alanine with valine at codon 174 of the PAX4 protein (p.Ala174Val). The alanine residue is highly conserved and there is a small physicochemical difference between alanine and valine.

NM_001366110.1(PAX4):c.545C>T (p.Ala182Val)

Gene: PAX4 (paired box 4; minus strand). Cytogenetic location: 7q32.1.
Variant type: single nucleotide variant.
Coding change: c.545C>T on transcript NM_001366110.1 (MANE Select); coding-DNA position 545, C replaced by T.
Protein change: p.Ala182Val; replaces alanine 182 with valine.
Molecular consequence: missense variant.
Genome position (GRCh38, 1-based): chr7:127,613,773, G>A on the plus strand (C>T on the coding strand, the complement: PAX4 is on the minus strand). VCF-style: chr7-127613773-G-A. GRCh37 (hg19) VCF-style: chr7-127253827-G-A.
Other names: c.545C>T, p.Ala182Val (NM_001366111.1); short protein forms A182V.
Identifiers: ClinVar variation 1336068 (VCV001336068.11), dbSNP rs1290905638, ClinGen allele CA369174302.
Genomic context (GRCh38, chr7:127,613,773, plus strand): 5'-ACACTGAGGACTCTCTGACCCTCCATCTGTCCCAGCCCAGCACCTTTCTCCAGTGCCTCT[G>A]CTTGGCTTGGGGAGAAGATAGTCCGATTCCGGTGGCCGGTCCCTGGGTGGGTACCCCGGG-3'
Protein context (NP_001353039.1, residues 172-192): RNRTIFSPSQ[Ala182Val]EALEKEFQRG